The following is an entry in ClinVar:

NM_016239.4(MYO15A):c.1529C>A (p.Ala510Glu)

Gene: MYO15A (myosin XVA; plus strand). Cytogenetic location: 17p11.2.
Variant type: single nucleotide variant.
Coding change: c.1529C>A on transcript NM_016239.4 (MANE Select); coding-DNA position 1529, C replaced by A.
Protein change: p.Ala510Glu; replaces alanine 510 with glutamic acid.
Molecular consequence: missense variant.
Genome position (GRCh38, 1-based): chr17:18,120,329, C>A. VCF-style: chr17-18120329-C-A. GRCh37 (hg19) VCF-style: chr17-18023643-C-A.
Other names: short protein forms A510E.
Identifiers: ClinVar variation 2647540 (VCV002647540.24), dbSNP rs375626722, ClinGen allele CA8423115.
Genomic context (GRCh38, chr17:18,120,329, plus strand): 5'-AGGAGAAGCTGGAGGTGCCCCTGCCACCCTCTCTGGACATTCCTCTCCCCTTGGGGGATG[C>A]GGACGAAGAAGAGGACGAGGAGGAGCTGCCCCCGGTTTCCGCTGTGCCCTACGGCCACCC-3'
Protein context (NP_057323.3, residues 500-520): SLDIPLPLGD[Ala510Glu]DEEEDEEELP

ClinVar aggregate classification (germline): Uncertain significance (1 of 4 stars; one submission).

Allele frequency attached by ClinVar (database versions not stated): TOPMed below 0.00001; ExAC 0.00001; gnomAD 0.00001; ESP Exome Variant Server 0.00008.

Submission:

CeGaT Center for Human Genetics Tuebingen
Classification: Uncertain significance. Last evaluated: 2023-10-01. Review status: criteria provided, single submitter. Criteria: CeGaT Center For Human Genetics Tuebingen Variant Classification Criteria Version 2. Collection method: clinical testing. Allele origin: germline. Affected: yes. Observed: 1 variant allele.
Comment: MYO15A: PM2, BP4